The following is an entry in ClinVar:

ClinVar aggregate classification (germline): Benign/Likely benign. Review status: criteria provided, multiple submitters, no conflicts (2 of 4 stars). 4 submissions from 4 submitters: Benign (1); Likely benign (2). 1 of the submissions does not count toward it. Last evaluated 2025-08-01.

Conditions:
CERT1-related disorder. Also called: CERT1-related condition.

Allele frequency attached by ClinVar (database versions not stated): ESP Exome Variant Server 0.00038; TOPMed 0.00055; gnomAD exomes 0.00076; ExAC 0.00078; gnomAD 0.00108.
gnomAD v4.1: 1,171 of 1,612,624 alleles (0.073%); highest among the groups gnomAD compares: Non-Finnish European, 0.078%; 2 homozygotes.

Submissions (4):

CeGaT Center for Human Genetics Tuebingen
Classification: Benign. Last evaluated: 2025-08-01. Review status: criteria provided, single submitter. Criteria: CeGaT Center For Human Genetics Tuebingen Variant Classification Criteria Version 2. Collection method: clinical testing. Allele origin: germline. Affected: yes. Observed: 4 variant alleles.
Comment: CERT1: BS1, BS2

Blueprint Genetics
Classification: Likely benign. Last evaluated: 2024-11-11. Review status: criteria provided, single submitter. Criteria: ACMG Guidelines, 2015. Collection method: clinical testing. Allele origin: germline.

Labcorp Genetics (formerly Invitae), Labcorp
Classification: Likely benign. Last evaluated: 2018-08-08. Review status: criteria provided, single submitter. Criteria: Invitae Variant Classification Sherloc (09022015). Collection method: clinical testing. Allele origin: germline.

PreventionGenetics, part of Exact Sciences
Classification: Likely benign for CERT1-related condition. Last evaluated: 2022-02-01. Review status: no assertion criteria provided. Collection method: clinical testing. Allele origin: germline. Not counted in ClinVar's aggregate classification.
Comment: This variant is classified as likely benign based on ACMG/AMP sequence variant interpretation guidelines (Richards et al. 2015 PMID: 25741868, with internal and published modifications).

NM_001379029.1(CERT1):c.473G>A (p.Arg158His)

Gene: CERT1 (ceramide transporter 1; minus strand). Cytogenetic location: 5q13.3.
Variant type: single nucleotide variant.
Coding change: c.473G>A on transcript NM_001379029.1 (MANE Select); coding-DNA position 473, G replaced by A.
Protein change: p.Arg158His; replaces arginine 158 with histidine.
Molecular consequence: missense variant.
Genome position (GRCh38, 1-based): chr5:75,425,483, C>T on the plus strand (G>A on the coding strand, the complement: CERT1 is on the minus strand). VCF-style: chr5-75425483-C-T. GRCh37 (hg19) VCF-style: chr5-74721308-C-T.
Other names: c.857G>A, p.Arg286His (NM_001130105.1); c.473G>A, p.Arg158His (NM_001379002.1, NM_001379003.1, NM_001379004.1 and 2 more transcripts); short protein forms R158H, R286H.
Identifiers: ClinVar variation 717877 (VCV000717877.29), dbSNP rs61759489, ClinGen allele CA3309255.